The following is an entry in ClinVar:

NM_020529.3(NFKBIA):c.742T>C (p.Tyr248His)

Gene: NFKBIA (NFKB inhibitor alpha; minus strand). Cytogenetic location: 14q13.2.
Variant type: single nucleotide variant.
Coding change: c.742T>C on transcript NM_020529.3 (MANE Select); coding-DNA position 742, T replaced by C.
Protein change: p.Tyr248His; replaces tyrosine 248 with histidine.
Molecular consequence: missense variant.
Genome position (GRCh38, 1-based): chr14:35,402,558, A>G on the plus strand (T>C on the coding strand, the complement: NFKBIA is on the minus strand). VCF-style: chr14-35402558-A-G. GRCh37 (hg19) VCF-style: chr14-35871764-A-G.
Other names: short protein forms Y248H.
Identifiers: ClinVar variation 1418143 (VCV001418143.8), dbSNP rs2052739616, ClinGen allele CA389452200.

ClinVar aggregate classification (germline): Uncertain significance (1 of 4 stars; one submission).

Conditions:
Ectodermal dysplasia and immunodeficiency 2. Identifiers: Orphanet 238468, Orphanet 98813, MedGen C2677481, MONDO:0012806, OMIM 612132.

Allele frequency attached by ClinVar (database versions not stated): gnomAD 0.00001.

Submission:

Labcorp Genetics (formerly Invitae), Labcorp
Classification: Uncertain significance for Ectodermal dysplasia and immunodeficiency 2. Last evaluated: 2025-01-15. Review status: criteria provided, single submitter. Criteria: Invitae Variant Classification Sherloc (09022015). Collection method: clinical testing. Allele origin: germline.
Comment: This sequence change replaces tyrosine, which is neutral and polar, with histidine, which is basic and polar, at codon 248 of the NFKBIA protein (p.Tyr248His). This variant is not present in population databases (gnomAD no frequency). This variant has not been reported in the literature in individuals affected with NFKBIA-related conditions. ClinVar contains an entry for this variant (Variation ID: 1418143). An algorithm developed to predict the effect of missense changes on protein structure and function (PolyPhen-2) suggests that this variant is likely to be disruptive. In summary, the available evidence is currently insufficient to determine the role of this variant in disease. Therefore, it has been classified as a Variant of Uncertain Significance.